The following is an entry in ClinVar:

NM_021098.3(CACNA1H):c.4651G>T (p.Val1551Leu)

Gene: CACNA1H (calcium voltage-gated channel subunit alpha1 H; plus strand). Cytogenetic location: 16p13.3.
Variant type: single nucleotide variant.
Coding change: c.4651G>T on transcript NM_021098.3 (MANE Select); coding-DNA position 4651, G replaced by T.
Protein change: p.Val1551Leu; replaces valine 1551 with leucine.
Molecular consequence: missense variant.
Genome position (GRCh38, 1-based): chr16:1,212,030, G>T. VCF-style: chr16-1212030-G-T. GRCh37 (hg19) VCF-style: chr16-1262030-G-T.
Other names: c.4651G>T, p.Val1551Leu (NM_001005407.2); short protein forms V1551L.
Identifiers: ClinVar variation 1318894 (VCV001318894.3), dbSNP rs369045626, ClinGen allele CA394180855.

ClinVar aggregate classification (germline): Uncertain significance (1 of 4 stars; one submission).

Submission:

GeneDx
Classification: Uncertain significance. Last evaluated: 2023-08-02. Review status: criteria provided, single submitter. Criteria: GeneDx Variant Classification Process June 2021. Collection method: clinical testing. Allele origin: germline. Affected: yes.
Comment: Not observed in large population cohorts (gnomAD); In silico analysis supports that this missense variant has a deleterious effect on protein structure/function; Has not been previously published as pathogenic or benign to our knowledge